The following is an entry in ClinVar:

ClinVar aggregate classification (germline): Pathogenic (1 of 4 stars; one submission).

Conditions:
Transcobalamin II deficiency (TCN2D). Also called: Transcolabamin II deficiency; TC II DEFICIENCY; TCN2 DEFICIENCY. Identifiers: Orphanet 859, MedGen C0342701, MONDO:0010149, OMIM 275350.

Allele frequency attached by ClinVar (database versions not stated): gnomAD exomes below 0.00001.

Submission:

Labcorp Genetics (formerly Invitae), Labcorp
Classification: Pathogenic for Transcobalamin II deficiency. Last evaluated: 2024-10-22. Review status: criteria provided, single submitter. Criteria: Invitae Variant Classification Sherloc (09022015). Collection method: clinical testing. Allele origin: germline.
Comment: This sequence change creates a premature translational stop signal (p.Arg120Glyfs*18) in the TCN2 gene. It is expected to result in an absent or disrupted protein product. Loss-of-function variants in TCN2 are known to be pathogenic (PMID: 7980584, 20352340). This variant is present in population databases (no rsID available, gnomAD 0.0009%). This variant has not been reported in the literature in individuals affected with TCN2-related conditions. ClinVar contains an entry for this variant (Variation ID: 2187312). For these reasons, this variant has been classified as Pathogenic.

Literature cited by the submitters: PubMed 7980584; PubMed 20352340.

NM_000355.4(TCN2):c.358_359del (p.Arg120fs)

Gene: TCN2 (transcobalamin 2; plus strand). Cytogenetic location: 22q12.2.
Variant type: Deletion.
Coding change: c.358_359del on transcript NM_000355.4 (MANE Select); coding-DNA positions 358 to 359, 2 bases deleted (AG; older notation c.358_359delAG).
Protein change: p.Arg120fs; shifts the reading frame from arginine 120.
Molecular consequence: frameshift variant. On other transcripts: intron variant (1).
Genome position (GRCh38, 1-based): chr22:30,612,973-30,612,974, AG deleted. VCF-style (leftmost placement, unchanged base first): chr22-30612972-CAG-C. GRCh37 (hg19) VCF-style: chr22-31008959-CAG-C.
Other names: c.346+12_346+13del (NM_001184726.2); short protein forms R120fs.
Identifiers: ClinVar variation 2187312 (VCV002187312.4), dbSNP rs1252562083, ClinGen allele CA639388168.